The following is an entry in ClinVar:

ClinVar aggregate classification (germline): Likely benign (1 of 4 stars; one submission).

Conditions:
PLXNA3-related disorder. Also called: PLXNA3-related condition.

gnomAD v4.1: 13 of 1,190,189 alleles (0.0011%); highest among the groups gnomAD compares: Admixed American, 0.0045%; no homozygotes.

Submissions (2):

PreventionGenetics, part of Exact Sciences
Classification: Likely benign for PLXNA3-related condition. Last evaluated: 2025-09-09. Review status: criteria provided, single submitter. Criteria: ACMG Guidelines, 2015. Collection method: clinical testing. Allele origin: germline.
Comment: This variant is classified as likely benign based on ACMG/AMP sequence variant interpretation guidelines (Richards et al. 2015 PMID: 25741868, with internal and published modifications).

Dr. Peter K. Rogan Lab, Western University
No classification provided (evidence only). Condition: Uterine corpus endometrial carcinoma. Review status: no classification provided. Collection method: in vitro. Allele origin: not applicable. Functional consequence: retained intron. Not counted in ClinVar's aggregate classification.

NM_017514.5(PLXNA3):c.3821-3C>T

Gene: PLXNA3 (plexin A3; plus strand). Cytogenetic location: Xq28.
Variant type: single nucleotide variant.
Coding change: c.3821-3C>T on transcript NM_017514.5 (MANE Select); 3 bases into the intron before coding-DNA position 3821, C replaced by T.
Molecular consequence: intron variant.
Genome position (GRCh38, 1-based): chrX:154,468,079, C>T. VCF-style: chrX-154468079-C-T. GRCh37 (hg19) VCF-style: chrX-153696422-C-T.
Other names: NC_000023.10:g.153696422C>T; c.3821-3C>T (NM_017514.4).
Identifiers: ClinVar variation 4479317 (VCV004479317.2).